The following is an entry in ClinVar:

ClinVar aggregate classification (germline): Pathogenic (1 of 4 stars; one submission).

Conditions:
Trichorhinophalangeal syndrome, type III (TRPS3). Also called: SUGIO-KAJII SYNDROME. Identifiers: Orphanet 77258, MedGen C1860823, OMIM 190351, MONDO:0008597.
Trichorhinophalangeal dysplasia type I (TRPS1). Also called: TRICHORHINOPHALANGEAL SYNDROME, TYPE I; TRPS I. Identifiers: Orphanet 77258, MedGen C0432233, MONDO:0008596, OMIM 190350.

Submission:

Labcorp Genetics (formerly Invitae), Labcorp
Classification: Pathogenic for Trichorhinophalangeal syndrome, type III; Trichorhinophalangeal dysplasia type I. Last evaluated: 2023-10-04. Review status: criteria provided, single submitter. Criteria: Invitae Variant Classification Sherloc (09022015). Collection method: clinical testing. Allele origin: germline.
Comment: This sequence change creates a premature translational stop signal (p.Thr914Aspfs*37) in the TRPS1 gene. It is expected to result in an absent or disrupted protein product. Loss-of-function variants in TRPS1 are known to be pathogenic (PMID: 11112658). This variant is not present in population databases (gnomAD no frequency). This variant has not been reported in the literature in individuals affected with TRPS1-related conditions. For these reasons, this variant has been classified as Pathogenic.

Literature cited by the submitters: PubMed 11112658.

NM_014112.5(TRPS1):c.2738dup (p.Thr914fs)

Gene: TRPS1 (transcriptional repressor GATA binding 1; minus strand). Cytogenetic location: 8q23.3.
Variant type: Duplication.
Coding change: c.2738dup on transcript NM_014112.5 (MANE Select); coding-DNA position 2738, one base duplicated (T; older notation c.2738dupT).
Protein change: p.Thr914fs; shifts the reading frame from threonine 914.
Molecular consequence: frameshift variant.
Genome position (GRCh38, 1-based): chr8:115,418,415, A duplicated on the plus strand (T on the coding strand, the reverse complement: TRPS1 is on the minus strand). VCF-style (leftmost placement, unchanged base first): chr8-115418414-C-CA. GRCh37 (hg19) VCF-style: chr8-116430642-C-CA.
Other names: c.2711dup, p.Thr905fs (NM_001282902.3); c.2717dup, p.Thr907fs (NM_001282903.3); c.2699dup, p.Thr901fs (NM_001330599.2); short protein forms T905fs, T914fs, T901fs, T907fs.
Identifiers: ClinVar variation 2952441 (VCV002952441.3), dbSNP rs2536588559, ClinGen allele CA2740095131.
Genomic context (GRCh38, chr8:115,418,414, plus strand): 5'-ACACGCGTTGCATACATATCCGCCATTTGCATTCTTTCGCCAGAGAGAGGTCTTTGTGGT[C>CA]AGGCAATTGGCACAAAAAACACCGGAGCCTCTACGCCTCTGAAACAGGGGAAAAAAACCA-3'